The following is an entry in ClinVar:

NC_000019.9:g.(?_50912766)_(50919795_?)dup

Gene: POLD1 (DNA polymerase delta 1, catalytic subunit; plus strand). Cytogenetic location: 19q13.33.
Variant type: Duplication.
Identifiers: ClinVar variation 650183 (VCV000650183.9).

ClinVar aggregate classification (germline): Uncertain significance (1 of 4 stars; one submission).

Conditions:
POLD1-related polyposis and colorectal cancer syndrome (CRCS10). Also called: Colorectal cancer, susceptibility to, 10; Colorectal cancer 10; COLORECTAL CANCER, SUSCEPTIBILITY TO, ON CHROMOSOME 19q. Identifiers: Orphanet 220460, MedGen C2675481, MONDO:0012953, OMIM 612591.

Submission:

Labcorp Genetics (formerly Invitae), Labcorp
Classification: Uncertain significance for POLD1-related polyposis and colorectal cancer syndrome. Last evaluated: 2023-10-18. Review status: criteria provided, single submitter. Criteria: Invitae Variant Classification Sherloc (09022015). Collection method: clinical testing. Allele origin: germline.
Comment: This variant results in a copy number gain of the genomic region encompassing exon(s) 17-23 of the POLD1 gene. While the exact position of this variant cannot be determined from the data, sub-genic copy number gains are generally in tandem (PMID: 25640679). This variant is predicted to be out-of-frame, and may result in an absent or disrupted protein product. Missense variants that disrupt the 3'-5' exonuclease (proof-reading) activity of the POLD1 protein are associated with PPAP (polymerase proofreading‚Äìassociated polyposis) (PMID: 23263490, 23447401). However loss-of-function variants, which result in an absent or severely disrupted POLD1 protein, and missense variants outside the exonuclease domain, are unlikely to be associated with polyposis or colon cancer. This variant has not been reported in the literature in individuals affected with POLD1-related conditions. In summary, the available evidence is currently insufficient to determine the role of this variant in disease. Therefore, it has been classified as a Variant of Uncertain Significance.

Literature cited by the submitters: PubMed 25640679; PubMed 23263490; PubMed 23447401.